The following is an entry in ClinVar:

ClinVar aggregate classification (germline): Benign. Review status: criteria provided, multiple submitters, no conflicts (2 of 4 stars). 9 submissions from 8 submitters: Benign (7). 2 of the submissions do not count toward it. Last evaluated 2026-02-02.

Conditions:
Microcephaly 9, primary, autosomal recessive. Identifiers: Orphanet 2512, MedGen C3553886, MONDO:0013923, OMIM 614852.
Seckel syndrome 5 (SCKL5). Identifiers: Orphanet 808, MedGen C3151187, MONDO:0013443, OMIM 613823.

Allele frequency attached by ClinVar (database versions not stated): ESP Exome Variant Server 0.01648; TOPMed 0.01790; gnomAD 0.02449 and 0.02543; gnomAD exomes 0.02836 and 0.03502; 1000 Genomes Project 30x 0.02873; 1000 Genomes Project 0.03135; ExAC 0.03816.
gnomAD v4.1: 45,210 of 1,608,296 alleles (2.8%); highest among the groups gnomAD compares: East Asian, 7.9%; 1,017 homozygotes.

Submissions (9):

Labcorp Genetics (formerly Invitae), Labcorp
Classification: Benign. Last evaluated: 2026-02-02. Review status: criteria provided, single submitter. Criteria: Invitae Variant Classification Sherloc (09022015). Collection method: clinical testing. Allele origin: germline.

Blueprint Genetics
Classification: Benign. Last evaluated: 2024-11-27. Review status: criteria provided, single submitter. Criteria: ACMG Guidelines, 2015. Collection method: clinical testing. Allele origin: germline.

Illumina Laboratory Services, Illumina
Classification: Benign for Microcephaly 9, primary, autosomal recessive. Last evaluated: 2018-01-13. Review status: criteria provided, single submitter. Criteria: ICSL Variant Classification Criteria 13 December 2019. Collection method: clinical testing. Allele origin: germline.
Comment: This variant was observed in the ICSL laboratory as part of a predisposition screen in an ostensibly healthy population. It had not been previously curated by ICSL or reported in the Human Gene Mutation Database (HGMD: prior to June 1st, 2018), and was therefore a candidate for classification through an automated scoring system. Utilizing variant allele frequency, disease prevalence and penetrance estimates, and inheritance mode, an automated score was calculated to assess if this variant is too frequent to cause the disease. Based on the score and internal cut-off values, a variant classified as benign is not then subjected to further curation. The score for this variant resulted in a classification of benign for this disease.

Illumina Laboratory Services, Illumina
Classification: Benign for Seckel syndrome 5. Last evaluated: 2018-01-13. Review status: criteria provided, single submitter. Criteria: ICSL Variant Classification Criteria 13 December 2019. Collection method: clinical testing. Allele origin: germline.
Comment: the same text as in the submission from Illumina Laboratory Services, Illumina above.

GeneDx
Classification: Benign. Last evaluated: 2015-03-03. Review status: criteria provided, single submitter. Criteria: GeneDx Variant Classification Process June 2021. Collection method: clinical testing. Allele origin: germline. Affected: yes.

Genetic Services Laboratory, University of Chicago
Classification: Benign. Last evaluated: 2013-02-08. Review status: criteria provided, single submitter. Criteria: ACMG Guidelines, 2007. Collection method: clinical testing. Allele origin: germline. Inheritance: Autosomal recessive inheritance.

Breakthrough Genomics
Classification: Benign. Review status: criteria provided, single submitter. Criteria: ACMG Guidelines, 2015. Collection method: not provided. Allele origin: germline. Inheritance: Autosomal recessive inheritance. Affected: yes.

Clinical Genetics DNA and cytogenetics Diagnostics Lab, Erasmus MC, Erasmus Medical Center
Classification: Benign. Review status: no assertion criteria provided. Collection method: clinical testing. Allele origin: germline. Affected: yes. Study: VKGL Data-share Consensus. Not counted in ClinVar's aggregate classification.

Joint Genome Diagnostic Labs from Nijmegen and Maastricht, Radboudumc and MUMC+
Classification: Benign. Review status: no assertion criteria provided. Collection method: clinical testing. Allele origin: germline. Affected: yes. Study: VKGL Data-share Consensus. Not counted in ClinVar's aggregate classification.

NM_001194998.2(CEP152):c.191+11G>A

Gene: CEP152 (centrosomal protein 152; minus strand). Cytogenetic location: 15q21.1.
Variant type: single nucleotide variant.
Coding change: c.191+11G>A on transcript NM_001194998.2 (MANE Select); 11 bases into the intron after coding-DNA position 191, G replaced by A.
Molecular consequence: intron variant.
Genome position (GRCh38, 1-based): chr15:48,797,937, C>T on the plus strand (G>A on the coding strand, the complement: CEP152 is on the minus strand). VCF-style: chr15-48797937-C-T. GRCh37 (hg19) VCF-style: chr15-49090134-C-T.
Other names: c.191+11G>A (NM_014985.4).
Identifiers: ClinVar variation 158236 (VCV000158236.23), dbSNP rs75503597, ClinGen allele CA171708.